The following is an entry in ClinVar:

NM_024596.5(MCPH1):c.2501C>A (p.Ser834Ter)

Genes: MCPH1 (microcephalin 1; plus strand), MCPH1-AS1 (MCPH1 antisense RNA 1; minus strand). Cytogenetic location: 8p23.1.
Variant type: single nucleotide variant.
Coding change: c.2501C>A on transcript NM_024596.5 (MANE Select); coding-DNA position 2501, C replaced by A.
Protein change: p.Ser834Ter; replaces serine 834 with a stop codon.
Molecular consequence: nonsense. On other transcripts: 3 prime UTR variant (1).
Genome position (GRCh38, 1-based): chr8:6,643,042, C>A. VCF-style: chr8-6643042-C-A. GRCh37 (hg19) VCF-style: chr8-6500563-C-A.
Other names: c.*15C>A (NM_001322042.2); c.2222C>A, p.Ser741Ter (NM_001363980.2); short protein forms S741*, S834*.
Identifiers: ClinVar variation 5004131 (VCV005004131.1).

ClinVar aggregate classification (germline): Uncertain significance (1 of 4 stars; one submission).

Conditions:
Microcephaly 1, primary, autosomal recessive (MCPH1). Also called: PREMATURE CHROMOSOME CONDENSATION SYNDROME; PCC SYNDROME; PREMATURE CHROMOSOME CONDENSATION WITH MICROCEPHALY AND MENTAL RETARDATION. Identifiers: Orphanet 2512, MedGen C1855081, MONDO:0009617, OMIM 251200.

gnomAD v4.1: 2 of 1,613,746 alleles (0.00012%); highest among the groups gnomAD compares: Non-Finnish European, 0.00017%; no homozygotes.

Submission:

Myriad Genetics, Inc.
Classification: Uncertain significance for Microcephaly 1, primary, autosomal recessive. Last evaluated: 2025-08-20. Review status: criteria provided, single submitter. Criteria: Myriad Autosomal Dominant, Autosomal Recessive and X-Linked Classification Criteria (2023). Collection method: clinical testing. Allele origin: unknown.
Comment: NM_024596.3(MCPH1):c.2501C>A(S834*) is a nonsense variant classified as a variant of uncertain significance in the context of primary microcephaly, MCPH1-related. S834* has not been observed in cases with relevant disease. Relevant functional assessments of this variant are not available in the literature. S834* has not been observed in referenced population frequency databases. In summary, there is insufficient evidence to classify NM_024596.3(MCPH1):c.2501C>A(S834*) as pathogenic or benign. Please note: this variant was assessed in the context of healthy population screening.